The following is an entry in ClinVar:

NM_000520.6(HEXA):c.409C>T (p.Arg137Ter)

Gene: HEXA (hexosaminidase subunit alpha; minus strand). Cytogenetic location: 15q23.
Variant type: single nucleotide variant.
Coding change: c.409C>T on transcript NM_000520.6 (MANE Select); coding-DNA position 409, C replaced by T.
Protein change: p.Arg137Ter; replaces arginine 137 with a stop codon.
Molecular consequence: nonsense. On other transcripts: non-coding transcript variant (1).
Genome position (GRCh38, 1-based): chr15:72,355,562, G>A on the plus strand (C>T on the coding strand, the complement: HEXA is on the minus strand). VCF-style: chr15-72355562-G-A. GRCh37 (hg19) VCF-style: chr15-72647903-G-A.
Other names: c.442C>T, p.Arg148Ter (NM_001318825.2); c.409C>T (NM_000520.5); short protein forms R137*, R148*.
Identifiers: ClinVar variation 3904 (VCV000003904.189), dbSNP rs121907962, ClinGen allele CA252914.

ClinVar aggregate classification (germline): Pathogenic. Review status: criteria provided, multiple submitters, no conflicts (2 of 4 stars). 10 submissions from 10 submitters: Pathogenic (9). 1 of the submissions does not count toward it. Last evaluated 2026-01-23.

Conditions:
HEXA-related disorders.
Tay-Sachs disease (TSD). Also called: HEXA DEFICIENCY; Hexosaminidase A Deficiency; HEXA Disorders; GM2 gangliosidosis, type 1; Hexosaminidase alpha-subunit deficiency (variant B); Sphingolipidosis, Tay-Sachs. Identifiers: Orphanet 845, MedGen C0039373, MONDO:0010100, OMIM 272800.

Allele frequency attached by ClinVar (database versions not stated): gnomAD exomes 0.00002 and 0.00006; ExAC 0.00002; gnomAD 0.00004 and 0.00003; TOPMed 0.00003.
gnomAD v4.1: 94 of 1,601,902 alleles (0.0059%); highest among the groups gnomAD compares: Non-Finnish European, 0.0076%; no homozygotes.

Submissions (10):

Otogenetics
Classification: Pathogenic for Tay-Sachs disease. Last evaluated: 2026-01-23. Review status: criteria provided, single submitter. Criteria: ACMG Guidelines, 2015. Collection method: clinical testing. Allele origin: germline.

Natera, Inc.
Classification: Pathogenic for Tay-Sachs disease. Last evaluated: 2025-11-12. Review status: criteria provided, single submitter. Criteria: Natera Variant Classification Schema (03/2026). Collection method: clinical testing. Allele origin: germline.
Comment: The c.409C>T variant in HEXA is a nonsense variant predicted to introduce a stop codon at amino acid 137. This variant is expected to result in nonsense mediated decay, truncation, or a dysfunctional protein product. This variant is rare in the general population with a frequency below the threshold expected for the associated phenotype(s). This variant has been observed in one or more individuals affected with the associated recessive disease, as either homozygous or compound heterozygous with a second variant (PMID: 9851891, 22441121). Given the available evidence, this variant is classified as Pathogenic.

GeneDx
Classification: Pathogenic. Last evaluated: 2025-11-02. Review status: criteria provided, single submitter. Criteria: GeneDx Variant Classification Process June 2021. Collection method: clinical testing. Allele origin: germline. Affected: yes.
Comment: Nonsense variant predicted to result in protein truncation or nonsense mediated decay in a gene for which loss of function is a known mechanism of disease; Not observed at significant frequency in large population cohorts (gnomAD); This variant is associated with the following publications: (PMID: 26350204, 7717398, 25525159, 18648917, 37597066, 1837283, 1532289)

Labcorp Genetics (formerly Invitae), Labcorp
Classification: Pathogenic for Tay-Sachs disease. Last evaluated: 2025-09-16. Review status: criteria provided, single submitter. Criteria: Invitae Variant Classification Sherloc (09022015). Collection method: clinical testing. Allele origin: germline.
Comment: This sequence change creates a premature translational stop signal (p.Arg137*) in the HEXA gene. It is expected to result in an absent or disrupted protein product. Loss-of-function variants in HEXA are known to be pathogenic (PMID: 1833974, 8490625). This variant is present in population databases (rs121907962, gnomAD 0.006%). This premature translational stop signal has been observed in individual(s) with hexosaminidase A deficiency (PMID: 1837283, 18648917, 22441121, 22789865). ClinVar contains an entry for this variant (Variation ID: 3904). For these reasons, this variant has been classified as Pathogenic.

Blueprint Genetics
Classification: Pathogenic for HEXA-related disorders. Last evaluated: 2024-07-03. Review status: criteria provided, single submitter. Criteria: ACMG Guidelines, 2015. Collection method: clinical testing. Allele origin: germline. Affected: yes. Observed: 4 variant alleles.

Fulgent Genetics
Classification: Pathogenic for Tay-Sachs disease. Last evaluated: 2022-02-16. Review status: criteria provided, single submitter. Criteria: ACMG Guidelines, 2015. Collection method: clinical testing. Allele origin: unknown.

Dasa
Classification: Pathogenic for Tay-Sachs disease. Last evaluated: 2022-01-05. Review status: criteria provided, single submitter. Criteria: ACMG Guidelines, 2015. Collection method: clinical testing. Allele origin: germline. Affected: yes. Observed: 1 variant allele.
Comment: The c.409C>T;p.(Arg137*) variant creates a premature translational stop signal in the the HEXA gene. It is expected to result in an absent or disrupted protein product -PVS1. This sequence change has been observed in affected individual(s) and ClinVar contains an entry for this variant (Clinvar ID: 3904; PMID: 1532289; 1837283; 9851891; 14685153; 18648917; 22441121; 22789865) - PS4. The variant is present at low allele frequencies population databases (rs121907962– gnomAD 0,00329%; ABraOM 0.000854 frequency) - PM2_supporting. The p.(Arg137*) was detected in trans with a pathogenic variant (PMID: 1837283; 1864891; 9851891; 22441121; 22789865) - PM3_strong. In summary, the currently available evidence indicates that the variant is pathogenic.

Women's Health and Genetics/Laboratory Corporation of America, LabCorp
Classification: Pathogenic for Tay-Sachs disease. Last evaluated: 2018-07-23. Review status: criteria provided, single submitter. Criteria: LabCorp Variant Classification Summary - May 2015. Collection method: clinical testing. Allele origin: germline.
Comment: Variant summary: HEXA c.409C>T (p.Arg137X) results in a premature termination codon, predicted to cause a truncation of the encoded protein or absence of the protein due to nonsense mediated decay, which are commonly known mechanisms for disease. The variant allele was found at a frequency of 2.9e-05 in 277008 control chromosomes. c.409C>T has been reported in the literature in individuals affected with Tay-Sachs Disease (Gort_2012, Mules_1992, Ozkara_1998, Zampieri_2012). These data indicate that the variant is associated with disease. Two clinical diagnostic laboratories have submitted clinical-significance assessments for this variant to ClinVar after 2014 without evidence for independent evaluation. All laboratories classified the variant as pathogenic. Based on the evidence outlined above, the variant was classified as pathogenic.

Eurofins Ntd Llc (ga)
Classification: Pathogenic. Last evaluated: 2015-11-06. Review status: criteria provided, single submitter. Criteria: EGL Classification Definitions 2015. Collection method: clinical testing. Allele origin: germline. Observed: 1 variant allele, 1 heterozygote.

OMIM
Classification: Pathogenic for TAY-SACHS DISEASE. Last evaluated: 1992-04-01. Review status: no assertion criteria provided. Collection method: literature only. Allele origin: germline. Not counted in ClinVar's aggregate classification.

Literature cited by the submitters: PubMed 18648917 (cited by 3 submitters); PubMed 22441121 (cited by 5 submitters); PVS1: Stop gain variant introduces premature stop codon in gene with loss of function as mechanism of disease, predicted to undergo NMD (cited by Otogenetics); PM2: Maximum gnomAD MAF of 0.0054% in European-Non Finnish (NFE) subpopulation (<0.249% threshold) (cited by Otogenetics); PM3: Variant reported in trans with two pathogenic variants in two individuals affected with Tay Sachs disease (PMID: 18648917, 22441121) (cited by Otogenetics); PubMed 9851891 (cited by 3 submitters); PubMed 1833974 (cited by Labcorp Genetics (formerly Invitae), Labcorp); PubMed 8490625 (cited by Labcorp Genetics (formerly Invitae), Labcorp); PubMed 1837283 (cited by 4 submitters); PubMed 22789865 (cited by 3 submitters); PubMed 1532289 (cited by 4 submitters); PubMed 14685153 (cited by Dasa).